The following is an entry in ClinVar:

ClinVar aggregate classification (germline): Uncertain significance. Review status: criteria provided, multiple submitters, no conflicts (2 of 4 stars). 2 submissions from 2 submitters: Uncertain significance (2). Last evaluated 2024-07-15.

Submissions (2):

Ambry Genetics
Classification: Uncertain significance. Last evaluated: 2024-07-15. Review status: criteria provided, single submitter. Criteria: Ambry Variant Classification Scheme 2023. Collection method: clinical testing. Allele origin: germline.

Labcorp Genetics (formerly Invitae), Labcorp
Classification: Uncertain significance. Last evaluated: 2022-09-16. Review status: criteria provided, single submitter. Criteria: Invitae Variant Classification Sherloc (09022015). Collection method: clinical testing. Allele origin: germline.
Comment: This variant is not present in population databases (gnomAD no frequency). This sequence change replaces phenylalanine, which is neutral and non-polar, with leucine, which is neutral and non-polar, at codon 1017 of the TAOK2 protein (p.Phe1017Leu). This variant has not been reported in the literature in individuals affected with TAOK2-related conditions. Algorithms developed to predict the effect of missense changes on protein structure and function are either unavailable or do not agree on the potential impact of this missense change (SIFT: "Tolerated"; PolyPhen-2: "Probably Damaging"; Align-GVGD: "Class C0"). In summary, the available evidence is currently insufficient to determine the role of this variant in disease. Therefore, it has been classified as a Variant of Uncertain Significance.

NM_016151.4(TAOK2):c.3049T>C (p.Phe1017Leu)

Gene: TAOK2 (TAO kinase 2; plus strand). Cytogenetic location: 16p11.2.
Variant type: single nucleotide variant.
Coding change: c.3049T>C on transcript NM_016151.4 (MANE Select); coding-DNA position 3049, T replaced by C.
Protein change: p.Phe1017Leu; replaces phenylalanine 1017 with leucine.
Molecular consequence: missense variant. On other transcripts: intron variant (1).
Genome position (GRCh38, 1-based): chr16:29,987,321, T>C. VCF-style: chr16-29987321-T-C. GRCh37 (hg19) VCF-style: chr16-29998642-T-C.
Other names: c.3049T>C (NM_016151.2); c.2710T>C, p.Phe904Leu (NM_001252043.2); c.2232+817T>C (NM_004783.4); short protein forms F1017L, F904L.
Identifiers: ClinVar variation 2001254 (VCV002001254.5), dbSNP rs2543669440, ClinGen allele CA395497980.